The following is an entry in ClinVar:

ClinVar aggregate classification (germline): Uncertain significance (1 of 4 stars; one submission).

gnomAD v4.1: 39 of 1,614,186 alleles (0.0024%); highest among the groups gnomAD compares: Middle Eastern, 0.016%; no homozygotes.

Submission:

Labcorp Genetics (formerly Invitae), Labcorp
Classification: Uncertain significance. Last evaluated: 2025-09-09. Review status: criteria provided, single submitter. Criteria: Invitae Variant Classification Sherloc (09022015). Collection method: clinical testing. Allele origin: germline.
Comment: This sequence change replaces glutamic acid, which is acidic and polar, with glycine, which is neutral and non-polar, at codon 93 of the NIN protein (p.Glu93Gly). This variant is present in population databases (rs372334376, gnomAD 0.01%). This variant has not been reported in the literature in individuals affected with NIN-related conditions. An algorithm developed to predict the effect of missense changes on protein structure and function (PolyPhen-2) suggests that this variant is likely to be disruptive. In summary, the available evidence is currently insufficient to determine the role of this variant in disease. Therefore, it has been classified as a Variant of Uncertain Significance.

NM_020921.4(NIN):c.278A>G (p.Glu93Gly)

Gene: NIN (ninein; minus strand). Cytogenetic location: 14q22.1.
Variant type: single nucleotide variant.
Coding change: c.278A>G on transcript NM_020921.4 (MANE Select); coding-DNA position 278, A replaced by G.
Protein change: p.Glu93Gly; replaces glutamic acid 93 with glycine.
Molecular consequence: missense variant.
Genome position (GRCh38, 1-based): chr14:50,792,869, T>C on the plus strand (A>G on the coding strand, the complement: NIN is on the minus strand). VCF-style: chr14-50792869-T-C. GRCh37 (hg19) VCF-style: chr14-51259587-T-C.
Other names: c.278A>G, p.Glu93Gly (NM_016350.5, NM_182944.3, NM_182946.2); short protein forms E93G.
Identifiers: ClinVar variation 4751704 (VCV004751704.1).